The following is an entry in ClinVar:

ClinVar aggregate classification (germline): Uncertain significance. Review status: criteria provided, multiple submitters, no conflicts (2 of 4 stars). 2 submissions from 2 submitters: Uncertain significance (2). Last evaluated 2025-03-11.

Conditions:
Hereditary cancer-predisposing syndrome. Also called: Tumor predisposition; Neoplastic Syndromes, Hereditary; Hereditary Cancer Syndrome; Hereditary neoplastic syndrome. Identifiers: Orphanet 140162, MedGen C0027672, MeSH D009386, MONDO:0015356.
Gorlin syndrome. Also called: Nevoid Basal Cell Carcinoma Syndrome; Basal cell nevus syndrome. Identifiers: Orphanet 377, MedGen C0004779, MONDO:0007187.
Medulloblastoma (MDB). Also called: Medulloblastoma, somatic; MEDULLOBLASTOMA PREDISPOSITION SYNDROME. Identifiers: Orphanet 616, MedGen C0025149, MeSH D008527, MONDO:0007959, OMIM 155255, HP:0002885.

Allele frequency attached by ClinVar (database versions not stated): ExAC 0.00001.

Submissions (2):

Labcorp Genetics (formerly Invitae), Labcorp
Classification: Uncertain significance for Gorlin syndrome; Medulloblastoma. Last evaluated: 2025-03-11. Review status: criteria provided, single submitter. Criteria: Invitae Variant Classification Sherloc (09022015). Collection method: clinical testing. Allele origin: germline.
Comment: This sequence change replaces proline, which is neutral and non-polar, with leucine, which is neutral and non-polar, at codon 85 of the SUFU protein (p.Pro85Leu). This variant is present in population databases (rs777936677, gnomAD 0.0009%). This variant has not been reported in the literature in individuals affected with SUFU-related conditions. ClinVar contains an entry for this variant (Variation ID: 2921845). Invitae Evidence Modeling of protein sequence and biophysical properties (such as structural, functional, and spatial information, amino acid conservation, physicochemical variation, residue mobility, and thermodynamic stability) has been performed for this missense variant. However, the output from this modeling did not meet the statistical confidence thresholds required to predict the impact of this variant on SUFU protein function. In summary, the available evidence is currently insufficient to determine the role of this variant in disease. Therefore, it has been classified as a Variant of Uncertain Significance.

Ambry Genetics
Classification: Uncertain significance for Hereditary cancer-predisposing syndrome. Last evaluated: 2025-02-06. Review status: criteria provided, single submitter. Criteria: Ambry Variant Classification Scheme 2023. Collection method: clinical testing. Allele origin: germline.
Comment: The p.P85L variant (also known as c.254C>T), located in coding exon 2 of the SUFU gene, results from a C to T substitution at nucleotide position 254. The proline at codon 85 is replaced by leucine, an amino acid with similar properties. This amino acid position is well conserved in available vertebrate species. In addition, the in silico prediction for this alteration is inconclusive. Based on the available evidence, the clinical significance of this variant remains unclear.

NM_016169.4(SUFU):c.254C>T (p.Pro85Leu)

Gene: SUFU (SUFU negative regulator of hedgehog signaling; plus strand). Cytogenetic location: 10q24.32.
Variant type: single nucleotide variant.
Coding change: c.254C>T on transcript NM_016169.4 (MANE Select); coding-DNA position 254, C replaced by T.
Protein change: p.Pro85Leu; replaces proline 85 with leucine.
Molecular consequence: missense variant.
Genome position (GRCh38, 1-based): chr10:102,509,240, C>T. VCF-style: chr10-102509240-C-T. GRCh37 (hg19) VCF-style: chr10-104268997-C-T.
Other names: c.254C>T, p.Pro85Leu (NM_001178133.2); short protein forms P85L.
Identifiers: ClinVar variation 2921845 (VCV002921845.4), dbSNP rs777936677, ClinGen allele CA5667637.